The following is an entry in ClinVar:

ClinVar aggregate classification (germline): Uncertain significance (1 of 4 stars; one submission).

Conditions:
Epilepsy, familial adult myoclonic, 5 (EPEO5). Also called: CORTICAL MYOCLONIC TREMOR WITH EPILEPSY, FAMILIAL, 5. Identifiers: Orphanet 86814, MedGen C3809374, MONDO:0014167, OMIM 615400.

Allele frequency attached by ClinVar (database versions not stated): gnomAD 0.00001; ExAC 0.00002; gnomAD exomes 0.00001; TOPMed 0.00003.
gnomAD v4.1: 20 of 1,609,668 alleles (0.0012%); highest among the groups gnomAD compares: Non-Finnish European, 0.0016%; no homozygotes.

Submission:

Labcorp Genetics (formerly Invitae), Labcorp
Classification: Uncertain significance for Epilepsy, familial adult myoclonic, 5. Last evaluated: 2022-02-03. Review status: criteria provided, single submitter. Criteria: Invitae Variant Classification Sherloc (09022015). Collection method: clinical testing. Allele origin: germline.
Comment: This sequence change replaces arginine, which is basic and polar, with glutamine, which is neutral and polar, at codon 605 of the CNTN2 protein (p.Arg605Gln). This variant is present in population databases (rs762910235, gnomAD 0.004%). This variant has not been reported in the literature in individuals affected with CNTN2-related conditions. Algorithms developed to predict the effect of missense changes on protein structure and function (SIFT, PolyPhen-2, Align-GVGD) all suggest that this variant is likely to be disruptive. In summary, the available evidence is currently insufficient to determine the role of this variant in disease. Therefore, it has been classified as a Variant of Uncertain Significance.

NM_005076.5(CNTN2):c.1814G>A (p.Arg605Gln)

Gene: CNTN2 (contactin 2; plus strand). Cytogenetic location: 1q32.1.
Variant type: single nucleotide variant.
Coding change: c.1814G>A on transcript NM_005076.5 (MANE Select); coding-DNA position 1814, G replaced by A.
Protein change: p.Arg605Gln; replaces arginine 605 with glutamine.
Molecular consequence: missense variant. On other transcripts: non-coding transcript variant (1).
Genome position (GRCh38, 1-based): chr1:205,065,907, G>A. VCF-style: chr1-205065907-G-A. GRCh37 (hg19) VCF-style: chr1-205035035-G-A.
Other names: c.1814G>A, p.Arg605Gln (NM_001346083.2); short protein forms R605Q.
Identifiers: ClinVar variation 1416095 (VCV001416095.5), dbSNP rs762910235, ClinGen allele CA1351500.